The following is an entry in ClinVar:

NM_000254.3(MTR):c.2474-19_2474-18del

Gene: MTR (5-methyltetrahydrofolate-homocysteine methyltransferase; plus strand). Cytogenetic location: 1q43.
Variant type: Deletion.
Coding change: c.2474-19_2474-18del on transcript NM_000254.3 (MANE Select); 19 bases into the intron before coding-DNA position 2474 through 18 bases into the intron before coding-DNA position 2474, 2 bases deleted (TT; older notation c.2474-19_2474-18delTT).
Molecular consequence: intron variant.
Genome position (GRCh38, 1-based): chr1:236,874,707-236,874,708, TT deleted; deleting any 2 consecutive bases within chr1:236,874,699-236,874,708 gives the same sequence; the c. name uses the placement nearest the transcript's 3' end. VCF-style (leftmost placement, unchanged base first): chr1-236874698-CTT-C. GRCh37 (hg19) VCF-style: chr1-237037998-CTT-C.
Other names: p.?; c.2321-19_2321-18del (NM_001291939.1); c.1253-19_1253-18del (NM_001291940.2); c.2474-19_2474-18del (NM_000254.2).
Identifiers: ClinVar variation 1217685 (VCV001217685.4), dbSNP rs150727404, ClinGen allele CA1474406.

ClinVar aggregate classification (germline): Benign/Likely benign. Review status: criteria provided, multiple submitters, no conflicts (2 of 4 stars). 2 submissions from 2 submitters: Benign (1); Likely benign (1). Last evaluated 2021-11-23.

Submissions (2):

Mayo Clinic Laboratories, Mayo Clinic
Classification: Benign. Last evaluated: 2021-11-23. Review status: criteria provided, single submitter. Criteria: ACMG Guidelines, 2015. Collection method: clinical testing. Allele origin: germline. Observed: 6 variant alleles.
Comment: BA1, BP4

GeneDx
Classification: Likely benign. Last evaluated: 2020-04-24. Review status: criteria provided, single submitter. Criteria: GeneDx Variant Classification Process June 2021. Collection method: clinical testing. Allele origin: germline. Affected: yes.